The following is an entry in ClinVar:

ClinVar aggregate classification (germline): Uncertain significance (1 of 4 stars; one submission).

gnomAD v4.1: 52 of 1,613,634 alleles (0.0032%); highest among the groups gnomAD compares: South Asian, 0.02%; no homozygotes.

Submission:

Labcorp Genetics (formerly Invitae), Labcorp
Classification: Uncertain significance. Last evaluated: 2024-09-23. Review status: criteria provided, single submitter. Criteria: Invitae Variant Classification Sherloc (09022015). Collection method: clinical testing. Allele origin: germline.
Comment: This sequence change replaces arginine, which is basic and polar, with glutamine, which is neutral and polar, at codon 366 of the TRPV6 protein (p.Arg366Gln). This variant is present in population databases (rs763240560, gnomAD 0.01%). This variant has not been reported in the literature in individuals affected with TRPV6-related conditions. An algorithm developed to predict the effect of missense changes on protein structure and function outputs the following: PolyPhen-2: "Not Available". The glutamine amino acid residue is found in multiple mammalian species, which suggests that this missense change does not adversely affect protein function. In summary, the available evidence is currently insufficient to determine the role of this variant in disease. Therefore, it has been classified as a Variant of Uncertain Significance.

NM_018646.6(TRPV6):c.1097G>A (p.Arg366Gln)

Gene: TRPV6 (transient receptor potential cation channel subfamily V member 6; minus strand). Cytogenetic location: 7q34.
Variant type: single nucleotide variant.
Coding change: c.1097G>A on transcript NM_018646.6 (MANE Select); coding-DNA position 1097, G replaced by A.
Protein change: p.Arg366Gln; replaces arginine 366 with glutamine.
Molecular consequence: missense variant.
Genome position (GRCh38, 1-based): chr7:142,875,613, C>T on the plus strand (G>A on the coding strand, the complement: TRPV6 is on the minus strand). VCF-style: chr7-142875613-C-T. GRCh37 (hg19) VCF-style: chr7-142573366-C-T.
Other names: short protein forms R366Q.
Identifiers: ClinVar variation 3613426 (VCV003613426.2).
Genomic context (GRCh38, chr7:142,875,613, plus strand): 5'-CACATGGTGAAGCAGATGATGTACAGCAGATATATGGCACCCAGCATGCAGAAGTACGGC[C>T]GCCCGTACCGCTTCCACTTGAGGCTCACCAGCTCCTTCACCGGCGTCTGGTCCAGGATCT-3'
Protein context (NP_061116.5, residues 356-376): LVSLKWKRYG[Arg366Gln]PYFCMLGAIY